The following is an entry in ClinVar:

ClinVar aggregate classification (germline): Pathogenic. Review status: reviewed by expert panel (3 of 4 stars). 3 submissions from 3 submitters: Pathogenic (1). 2 of the submissions do not count toward it. Last evaluated 2025-02-11.

Conditions:
Bernard Soulier syndrome (BSS). Also called: GLYCOPROTEIN Ib, PLATELET, DEFICIENCY OF; Giant platelet syndrome; Hemorrhagiparous thrombocytic dystrophy; Giant platelet disease; BLEEDING DISORDER, PLATELET-TYPE, 1; PLATELET GLYCOPROTEIN Ib DEFICIENCY. Identifiers: Orphanet 274, MedGen C0005129, MeSH D001606, MONDO:0009276, OMIM 231200.

Allele frequency attached by ClinVar (database versions not stated): gnomAD 0.00001; TOPMed 0.00001; ExAC 0.00002.

Submissions (3):

ClinGen Platelet Disorders Variant Curation Expert Panel, ClinGen
Classification: Pathogenic for Bernard Soulier syndrome. Last evaluated: 2025-02-11. Review status: reviewed by expert panel. Criteria: ClinGen Platelet ACMG Specifications GP1BA V1.0.0. Collection method: curation. Allele origin: germline. Inheritance: Autosomal recessive inheritance.
Comment: NM_000173.7(GP1BA):c.1454dup is a frameshift variant (p.Ser486IlefsTer12), which has been reported in multiple probands with Bernard-Soulier syndrome (PMIDs:11776304, 16916536, 23402648, 24934643, 9241731). The Grpmax filtering allele frequency in gnomAD v4.1 is 0.000004440 (based on 2/74766) in the African/African American population, which does not meet PM2_supporting or BS1. The frameshift variant may cause loss of function of the protein, however it is predicted to escape nonsense mediated decay and remove 24% of the protein (PVS1_Strong). Case 2 of PMID: 9241731 is compound heterozygous with c.1480del (classified Pathogenic by the PD-VCEP) confirmed in trans and at least two additional patients are homozygous for the variant (PM3_strong). At least one patient (Proband in PMID:11776304) with this variant had aggregation absent for ristocetin but present for all other agonists and flow cytometry with less than 10% expression of GPIBa (PP4). The variant segregated with Bernard-Soulier syndrome in this patient plus an affected sibling, both compound heterozygous for this variant and Cys225Ser (PP1). Finally, surface expression of GP1Balpha measured by flow cytometry from transient transfection of the c.1454dup variant in CHO cells stably co-expressing the GPIbbeta and GPIX subunits showed decreased expression at 0% (<25%) WT levels, indicating that this variant impacts protein function (PMID:11776304; PS3_supporting). In summary, this variant meets the criteria to be classified as Pathogenic for autosomal recessive Bernard-Soulier syndrome based on the ACMG/AMP criteria applied, as specified by the ClinGen PD VCEP: PP1, PM3_strong, PS3_supporting, PVS1_strong, PP4, PM2_supporting.

Laboratory of Genetics, Children's Clinical University Hospital Latvia
Classification: Pathogenic. Last evaluated: 2025-02-16. Review status: criteria provided, single submitter. Criteria: ACMG Guidelines, 2015. Collection method: clinical testing. Allele origin: germline. Affected: yes. Not counted in ClinVar's aggregate classification.

Labcorp Genetics (formerly Invitae), Labcorp
Classification: Pathogenic. Last evaluated: 2022-07-21. Review status: criteria provided, single submitter. Criteria: Invitae Variant Classification Sherloc (09022015). Collection method: clinical testing. Allele origin: germline. Not counted in ClinVar's aggregate classification.
Comment: Experimental studies have shown that this premature translational stop signal affects GP1BA function (PMID: 11776304). For these reasons, this variant has been classified as Pathogenic. Algorithms developed to predict the effect of variants on protein structure and function are not available or were not evaluated for this variant. This variant is also known as c.1418insT, c.1455insT, and c.4444insT. This premature translational stop signal has been observed in individual(s) with GP1BA-related conditions (PMID: 9241731, 11776304, 16916536, 23402648). In at least one individual the data is consistent with being in trans (on the opposite chromosome) from a pathogenic variant. It has also been observed to segregate with disease in related individuals. This variant is present in population databases (rs774388410, gnomAD 0.007%). This sequence change creates a premature translational stop signal (p.Ser486Ilefs*12) in the GP1BA gene. While this is not anticipated to result in nonsense mediated decay, it is expected to disrupt the last 167 amino acid(s) of the GP1BA protein.

Literature cited by the submitters: PubMed 11776304 (cited by Labcorp Genetics (formerly Invitae), Labcorp); PubMed 9241731 (cited by Labcorp Genetics (formerly Invitae), Labcorp); PubMed 16916536 (cited by Labcorp Genetics (formerly Invitae), Labcorp); PubMed 23402648 (cited by Labcorp Genetics (formerly Invitae), Labcorp).

NM_000173.7(GP1BA):c.1454dup (p.Ser486fs)

Gene: GP1BA (glycoprotein Ib platelet subunit alpha; plus strand). Cytogenetic location: 17p13.2.
Variant type: Duplication.
Coding change: c.1454dup on transcript NM_000173.7 (MANE Select); coding-DNA position 1454, one base duplicated (T; older notation c.1454dupT).
Protein change: p.Ser486fs; shifts the reading frame from serine 486.
Molecular consequence: frameshift variant.
Genome position (GRCh38, 1-based): chr17:4,934,058, T duplicated. VCF-style (leftmost placement, unchanged base first): chr17-4934057-G-GT. GRCh37 (hg19) VCF-style: chr17-4837352-G-GT.
Other names: NM_000173.7:c.1454dup; short protein forms S486fs.
Identifiers: ClinVar variation 2137887 (VCV002137887.6), dbSNP rs774388410, ClinGen allele CA8315002.
Genomic context (GRCh38, chr17:4,934,057, plus strand): 5'-CTGGTGTCTGCCACAAGCCTGATCACTCCAAAAAGCACATTTTTAACTACCACAAAACCC[G>GT]TATCACTCTTAGAATCCACCAAAAAAACCATCCCTGAACTTGATCAGCCACCAAAGCTCC-3'